The following is an entry in ClinVar:

ClinVar aggregate classification (germline): Uncertain significance (1 of 4 stars; one submission).

Conditions:
Hereditary cancer-predisposing syndrome. Also called: Neoplastic Syndromes, Hereditary; Tumor predisposition; Hereditary Cancer Syndrome; Hereditary neoplastic syndrome. Identifiers: Orphanet 140162, MedGen C0027672, MeSH D009386, MONDO:0015356.

Submission:

Ambry Genetics
Classification: Uncertain significance for Hereditary cancer-predisposing syndrome. Last evaluated: 2021-02-26. Review status: criteria provided, single submitter. Criteria: Ambry Variant Classification Scheme 2023. Collection method: clinical testing. Allele origin: germline.
Comment: The p.F58L variant (also known as c.172T>C), located in coding exon 2 of the BMPR1A gene, results from a T to C substitution at nucleotide position 172. The phenylalanine at codon 58 is replaced by leucine, an amino acid with highly similar properties. This amino acid position is highly conserved in available vertebrate species. In addition, the in silico prediction for this alteration is inconclusive. Since supporting evidence is limited at this time, the clinical significance of this alteration remains unclear.

NM_004329.3(BMPR1A):c.172T>C (p.Phe58Leu)

Gene: BMPR1A (bone morphogenetic protein receptor type 1A; plus strand). Cytogenetic location: 10q23.2.
Variant type: single nucleotide variant.
Coding change: c.172T>C on transcript NM_004329.3 (MANE Select); coding-DNA position 172, T replaced by C.
Protein change: p.Phe58Leu; replaces phenylalanine 58 with leucine.
Molecular consequence: missense variant.
Genome position (GRCh38, 1-based): chr10:86,890,166, T>C. VCF-style: chr10-86890166-T-C. GRCh37 (hg19) VCF-style: chr10-88649923-T-C.
Other names: c.172T>C, p.Phe58Leu (NM_001406559.1, NM_001406560.1, NM_001406561.1 and 23 more transcripts); c.88T>C, p.Phe30Leu (NM_001406584.1, NM_001406585.1, NM_001406586.1 and 2 more transcripts); short protein forms F30L, F58L.
Identifiers: ClinVar variation 1778961 (VCV001778961.2), dbSNP rs2539432228, ClinGen allele CA377446848.